The following is an entry in ClinVar:

ClinVar aggregate classification (germline): Likely benign (1 of 4 stars; one submission).

Conditions:
CFAP410-related disorder. Also called: CFAP410-related condition.

gnomAD v4.1: 41 of 1,549,144 alleles (0.0026%); highest among the groups gnomAD compares: African/African-American, 0.029%; no homozygotes.

Submission:

PreventionGenetics, part of Exact Sciences
Classification: Likely benign for CFAP410-related condition. Last evaluated: 2026-08-01. Review status: criteria provided, single submitter. Criteria: ACMG Guidelines, 2015. Collection method: clinical testing. Allele origin: germline.
Comment: This variant is classified as likely benign based on ACMG/AMP sequence variant interpretation guidelines (Richards et al. 2015 PMID: 25741868, with internal and published modifications).

NM_004928.3(CFAP410):c.642+96C>T

Gene: CFAP410 (cilia and flagella associated protein 410; minus strand). Cytogenetic location: 21q22.3.
Variant type: single nucleotide variant.
Coding change: c.642+96C>T on transcript NM_004928.3 (MANE Select); 96 bases into the intron after coding-DNA position 642, C replaced by T.
Molecular consequence: intron variant. On other transcripts: synonymous variant (1).
Genome position (GRCh38, 1-based): chr21:44,330,727, G>A on the plus strand (C>T on the coding strand, the complement: CFAP410 is on the minus strand). VCF-style: chr21-44330727-G-A. GRCh37 (hg19) VCF-style: chr21-45750610-G-A.
Other names: c.735C>T, p.Pro245= (NM_001271441.2); c.639+96C>T (NM_001271440.2); c.516+96C>T (NM_001271442.1).
Identifiers: ClinVar variation 4981332 (VCV004981332.1).